The following is an entry in ClinVar:

NM_018130.3(SHQ1):c.419G>A (p.Ser140Asn)

Gene: SHQ1 (SHQ1, H/ACA ribonucleoprotein assembly factor; minus strand). Cytogenetic location: 3p13.
Variant type: single nucleotide variant.
Coding change: c.419G>A on transcript NM_018130.3 (MANE Select); coding-DNA position 419, G replaced by A.
Protein change: p.Ser140Asn; replaces serine 140 with asparagine.
Molecular consequence: missense variant.
Genome position (GRCh38, 1-based): chr3:72,841,112, C>T on the plus strand (G>A on the coding strand, the complement: SHQ1 is on the minus strand). VCF-style: chr3-72841112-C-T. GRCh37 (hg19) VCF-style: chr3-72890263-C-T.
Other names: short protein forms S140N.
Identifiers: ClinVar variation 3899790 (VCV003899790.1).

ClinVar aggregate classification (germline): Uncertain significance (1 of 4 stars; one submission).

Submission:

GeneDx
Classification: Uncertain significance. Last evaluated: 2024-11-19. Review status: criteria provided, single submitter. Criteria: GeneDx Variant Classification Process June 2021. Collection method: clinical testing. Allele origin: germline. Affected: yes.
Comment: In silico analysis indicates that this missense variant does not alter protein structure/function; Has not been previously published as pathogenic or benign to our knowledge